The following is an entry in ClinVar:

ClinVar aggregate classification (germline): Uncertain significance. Review status: criteria provided, multiple submitters, no conflicts (2 of 4 stars). 2 submissions from 2 submitters: Uncertain significance (2). Last evaluated 2025-12-02.

Conditions:
Inborn genetic diseases. Identifiers: MedGen C0950123, MeSH D030342.
Charcot-Marie-Tooth disease axonal type 2S. Also called: CHARCOT-MARIE-TOOTH NEUROPATHY, TYPE 2S; CHARCOT-MARIE-TOOTH DISEASE, AXONAL, AUTOSOMAL RECESSIVE, TYPE 2S. Identifiers: Orphanet 443073, MedGen C4015349, MONDO:0014511, OMIM 616155.
Autosomal recessive distal spinal muscular atrophy 1. Also called: SEVERE INFANTILE AXONAL NEUROPATHY WITH RESPIRATORY FAILURE; SPINAL MUSCULAR ATROPHY, DIAPHRAGMATIC; Spinal muscular atrophy with respiratory distress 1; HMN VI; NEURONOPATHY, DISTAL HEREDITARY MOTOR, HARDING TYPE VI; NEUROPATHY, DISTAL HEREDITARY MOTOR, AUTOSOMAL RECESSIVE 1. Identifiers: Orphanet 98920, MedGen C1858517, MONDO:0011436, OMIM 604320.

Allele frequency attached by ClinVar (database versions not stated): gnomAD 0.00001; ExAC 0.00002; ESP Exome Variant Server 0.00008; TOPMed 0.00001; gnomAD exomes 0.00002.
gnomAD v4.1: 12 of 1,612,682 alleles (0.00074%); highest among the groups gnomAD compares: African/African-American, 0.0013%; no homozygotes.

Submissions (2):

Ambry Genetics
Classification: Uncertain significance for Inborn genetic diseases. Last evaluated: 2025-12-02. Review status: criteria provided, single submitter. Criteria: Ambry Variant Classification Scheme 2023. Collection method: clinical testing. Allele origin: germline.

Labcorp Genetics (formerly Invitae), Labcorp
Classification: Uncertain significance for Autosomal recessive distal spinal muscular atrophy 1; Charcot-Marie-Tooth disease axonal type 2S. Last evaluated: 2022-05-04. Review status: criteria provided, single submitter. Criteria: Invitae Variant Classification Sherloc (09022015). Collection method: clinical testing. Allele origin: germline.
Comment: This sequence change replaces arginine, which is basic and polar, with glutamine, which is neutral and polar, at codon 941 of the IGHMBP2 protein (p.Arg941Gln). This variant is present in population databases (rs373408947, gnomAD 0.004%). This variant has not been reported in the literature in individuals affected with IGHMBP2-related conditions. ClinVar contains an entry for this variant (Variation ID: 654792). Advanced modeling of protein sequence and biophysical properties (such as structural, functional, and spatial information, amino acid conservation, physicochemical variation, residue mobility, and thermodynamic stability) performed at Invitae indicates that this missense variant is not expected to disrupt IGHMBP2 protein function. In summary, the available evidence is currently insufficient to determine the role of this variant in disease. Therefore, it has been classified as a Variant of Uncertain Significance.

NM_002180.3(IGHMBP2):c.2822G>A (p.Arg941Gln)

Gene: IGHMBP2 (immunoglobulin mu DNA binding protein 2; plus strand). Cytogenetic location: 11q13.3.
Variant type: single nucleotide variant.
Coding change: c.2822G>A on transcript NM_002180.3 (MANE Select); coding-DNA position 2822, G replaced by A.
Protein change: p.Arg941Gln; replaces arginine 941 with glutamine.
Molecular consequence: missense variant.
Genome position (GRCh38, 1-based): chr11:68,939,571, G>A. VCF-style: chr11-68939571-G-A. GRCh37 (hg19) VCF-style: chr11-68707039-G-A.
Other names: short protein forms R941Q.
Identifiers: ClinVar variation 654792 (VCV000654792.8), dbSNP rs373408947, ClinGen allele CA6154033.